The following is an entry in ClinVar:

NM_172364.5(CACNA2D4):c.2658T>G (p.Ser886Arg)

Gene: CACNA2D4 (calcium voltage-gated channel auxiliary subunit alpha2delta 4; minus strand). Cytogenetic location: 12p13.33.
Variant type: single nucleotide variant.
Coding change: c.2658T>G on transcript NM_172364.5 (MANE Select); coding-DNA position 2658, T replaced by G.
Protein change: p.Ser886Arg; replaces serine 886 with arginine.
Molecular consequence: missense variant.
Genome position (GRCh38, 1-based): chr12:1,810,543, A>C on the plus strand (T>G on the coding strand, the complement: CACNA2D4 is on the minus strand). VCF-style: chr12-1810543-A-C. GRCh37 (hg19) VCF-style: chr12-1919709-A-C.
Other names: short protein forms S886R.
Identifiers: ClinVar variation 2735791 (VCV002735791.3), dbSNP rs1863672244, ClinGen allele CA383350063.

ClinVar aggregate classification (germline): Uncertain significance (1 of 4 stars; one submission).

Allele frequency attached by ClinVar (database versions not stated): gnomAD exomes below 0.00001.
gnomAD v4.1: 1 of 1,553,428 alleles (0.000064%); highest among the groups gnomAD compares: Middle Eastern, 0.017%; no homozygotes.

Submission:

Labcorp Genetics (formerly Invitae), Labcorp
Classification: Uncertain significance. Last evaluated: 2023-07-07. Review status: criteria provided, single submitter. Criteria: Invitae Variant Classification Sherloc (09022015). Collection method: clinical testing. Allele origin: germline.
Comment: This variant is not present in population databases (gnomAD no frequency). This missense change has been observed in individual(s) with atrial fibrillation (PMID: 24727801). This sequence change replaces serine, which is neutral and polar, with arginine, which is basic and polar, at codon 886 of the CACNA2D4 protein (p.Ser886Arg). Algorithms developed to predict the effect of sequence changes on RNA splicing suggest that this variant may create or strengthen a splice site. An algorithm developed to predict the effect of missense changes on protein structure and function (PolyPhen-2) suggests that this variant is likely to be tolerated. In summary, the available evidence is currently insufficient to determine the role of this variant in disease. Therefore, it has been classified as a Variant of Uncertain Significance.

Literature cited by the submitters: PubMed 24727801.